The following is an entry in ClinVar:

NM_000059.4(BRCA2):c.947G>T (p.Arg316Ile)

Gene: BRCA2 (BRCA2 DNA repair associated; plus strand). Cytogenetic location: 13q13.1.
Variant type: single nucleotide variant.
Coding change: c.947G>T on transcript NM_000059.4 (MANE Select); coding-DNA position 947, G replaced by T.
Protein change: p.Arg316Ile; replaces arginine 316 with isoleucine.
Molecular consequence: missense variant. On other transcripts: non-coding transcript variant (1), intron variant (1).
Genome position (GRCh38, 1-based): chr13:32,332,425, G>T. VCF-style: chr13-32332425-G-T. GRCh37 (hg19) VCF-style: chr13-32906562-G-T.
Other names: c.947G>T, p.Arg316Ile (NM_001406719.1, NM_001406720.1, NM_001406721.1 and 1 more transcripts); c.424+1395G>T (NM_001406722.1); short protein forms R316I.
Identifiers: ClinVar variation 3386233 (VCV003386233.1).

ClinVar aggregate classification (germline): Uncertain significance (1 of 4 stars; one submission).

Conditions:
BRCA2-related cancer predisposition. Identifiers: MedGen CN377758, MONDO:0700269.

Submission:

All of Us Research Program, National Institutes of Health
Classification: Uncertain significance for BRCA2-related cancer predisposition. Last evaluated: 2024-03-24. Review status: criteria provided, single submitter. Criteria: ACMG Guidelines, 2015. Collection method: clinical testing. Allele origin: germline. Inheritance: Autosomal dominant inheritance. Observed: 1 variant allele, 1 heterozygote.
Comment: This missense variant replaces arginine with isoleucine at codon 316 of the BRCA2 protein. Computational prediction suggests that this variant may not impact protein structure and function (internally defined REVEL score threshold <= 0.5, PMID: 27666373). To our knowledge, functional studies have not been reported for this variant. This variant has not been reported in individuals affected with BRCA2-related disorders in the literature. This variant has not been identified in the general population by the Genome Aggregation Database (gnomAD). The available evidence is insufficient to determine the role of this variant in disease conclusively. Therefore, this variant is classified as a Variant of Uncertain Significance.

This study involves interpretation of variants in research participants for the purpose of population health screening. Participant phenotype was not available at the time of variant classification. Additional details can be found in publication PMID: 35346344, PMCID: PMC8962531